The following is an entry in ClinVar:

NM_003079.5(SMARCE1):c.983_987dup (p.Glu330fs)

Gene: SMARCE1 (SWI/SNF related BAF chromatin remodeling complex subunit E1; minus strand). Cytogenetic location: 17q21.2.
Variant type: Duplication.
Coding change: c.983_987dup on transcript NM_003079.5 (MANE Select); coding-DNA positions 983 to 987, 5 bases duplicated (AAGGC; older notation c.983_987dupAAGGC).
Protein change: p.Glu330fs; shifts the reading frame from glutamic acid 330.
Molecular consequence: frameshift variant.
Genome position (GRCh38, 1-based): chr17:40,630,754-40,630,758, GCCTT duplicated on the plus strand (AAGGC on the coding strand, the reverse complement: SMARCE1 is on the minus strand). VCF-style (leftmost placement, unchanged base first): chr17-40630753-C-CGCCTT. GRCh37 (hg19) VCF-style: chr17-38787005-C-CGCCTT.
Other names: c.983_987dupAAGGC (NM_003079.4); short protein forms E330fs.
Identifiers: ClinVar variation 3799010 (VCV003799010.1).

ClinVar aggregate classification (germline): Uncertain significance (1 of 4 stars; one submission).

Conditions:
Hereditary cancer-predisposing syndrome. Also called: Neoplastic Syndromes, Hereditary; Hereditary Cancer Syndrome; Tumor predisposition; Hereditary neoplastic syndrome. Identifiers: Orphanet 140162, MedGen C0027672, MeSH D009386, MONDO:0015356.

Submission:

Ambry Genetics
Classification: Uncertain significance for Hereditary cancer-predisposing syndrome. Last evaluated: 2025-01-08. Review status: criteria provided, single submitter. Criteria: Ambry Variant Classification Scheme 2023. Collection method: clinical testing. Allele origin: germline.
Comment: The c.983_987dupAAGGC variant, located in coding exon 9 of the SMARCE1 gene, results from a duplication of five nucleotides (AAGGC) at nucleotide positions 983 to 987, causing a translational frameshift with a predicted alternate stop codon (p.E330Kfs*114). This alteration occurs at the 3' terminus of theSMARCE1 gene, is not expected to trigger nonsense-mediated mRNAdecay and results in the elongation of the protein by 31 amino acids. This frameshift impacts the last 20% of the native protein. The exact functional effect of the altered amino acids is unknown. Based on the available evidence, the clinical significance of this variant remains unclear.